The following is an entry in ClinVar:

ClinVar aggregate classification (germline): Benign/Likely benign. Review status: criteria provided, multiple submitters, no conflicts (2 of 4 stars). 2 submissions from 2 submitters: Benign (1); Likely benign (1). Last evaluated 2026-05-01.

gnomAD v4.1: 2,061 of 1,613,538 alleles (0.13%); highest among the groups gnomAD compares: African/African-American, 1.4%; 14 homozygotes.

Submissions (2):

CeGaT Center for Human Genetics Tuebingen
Classification: Benign. Last evaluated: 2026-05-01. Review status: criteria provided, single submitter. Criteria: CeGaT Center For Human Genetics Tuebingen Variant Classification Criteria Version 2. Collection method: clinical testing. Allele origin: germline. Affected: yes. Observed: 2 variant alleles.
Comment: CAMSAP1: BP4, BP7, BS1, BS2

Blueprint Genetics
Classification: Likely benign. Last evaluated: 2024-11-11. Review status: criteria provided, single submitter. Criteria: ACMG Guidelines, 2015. Collection method: clinical testing. Allele origin: germline.

NM_015447.4(CAMSAP1):c.2742A>G (p.Ala914=)

Gene: CAMSAP1 (calmodulin regulated spectrin associated protein 1; minus strand). Cytogenetic location: 9q34.3.
Variant type: single nucleotide variant.
Coding change: c.2742A>G on transcript NM_015447.4 (MANE Select); coding-DNA position 2742, A replaced by G.
Protein change: p.Ala914=; no amino-acid change (alanine 914 retained).
Molecular consequence: synonymous variant.
Genome position (GRCh38, 1-based): chr9:135,821,919, T>C on the plus strand (A>G on the coding strand, the complement: CAMSAP1 is on the minus strand). VCF-style: chr9-135821919-T-C. GRCh37 (hg19) VCF-style: chr9-138713765-T-C.
Other names: c.2310A>G, p.Ala770= (NM_001437280.1); c.2145A>G, p.Ala715= (NM_001437281.1); c.1908A>G, p.Ala636= (NM_001411031.1); c.2775A>G, p.Ala925= (NM_001437279.1).
Identifiers: ClinVar variation 4820979 (VCV004820979.5).
Genomic context (GRCh38, chr9:135,821,919, plus strand): 5'-GTGCTCCGGCCTGAGGGGTGGGGCAGCCTCGGCCTTGCCCTTCTTCACCACATGCAGGAA[T>C]GCAGCCTTGCCGAGCTTCAGGCGCTGCCTTGCCGACAGCGCCTCCATCTTCTTCTTCTGG-3'
Protein context (NP_056262.3, residues 904-924): ARQRLKLGKA[Ala914=]FLHVVKKGKA